The following is an entry in ClinVar:

NM_006206.6(PDGFRA):c.1121+6G>T

Gene: PDGFRA (platelet derived growth factor receptor alpha; plus strand). Cytogenetic location: 4q12.
Variant type: single nucleotide variant.
Coding change: c.1121+6G>T on transcript NM_006206.6 (MANE Select); 6 bases into the intron after coding-DNA position 1121, G replaced by T.
Molecular consequence: intron variant.
Genome position (GRCh38, 1-based): chr4:54,267,747, G>T. VCF-style: chr4-54267747-G-T. GRCh37 (hg19) VCF-style: chr4-55133914-G-T.
Other names: c.1196+6G>T (NM_001347828.2); c.1121+6G>T (NM_001347827.2, NM_001347829.2); c.1160+6G>T (NM_001347830.2).
Identifiers: ClinVar variation 570314 (VCV000570314.9), dbSNP rs1560473366, ClinGen allele CA891842612.

ClinVar aggregate classification (germline): Uncertain significance (1 of 4 stars; one submission).

Conditions:
Gastrointestinal stromal tumor. Also called: Gastrointestinal stromal tumor, somatic; Gastrointestinal stroma tumor. Identifiers: Orphanet 44890, MedGen C0238198, MeSH D046152, MONDO:0011719, OMIM 606764, HP:0100723.

Submission:

Labcorp Genetics (formerly Invitae), Labcorp
Classification: Uncertain significance for Gastrointestinal stromal tumor. Last evaluated: 2024-04-09. Review status: criteria provided, single submitter. Criteria: Invitae Variant Classification Sherloc (09022015). Collection method: clinical testing. Allele origin: germline.
Comment: This sequence change falls in intron 7 of the PDGFRA gene. It does not directly change the encoded amino acid sequence of the PDGFRA protein. It affects a nucleotide within the consensus splice site. This variant is not present in population databases (gnomAD no frequency). This variant has not been reported in the literature in individuals affected with PDGFRA-related conditions. ClinVar contains an entry for this variant (Variation ID: 570314). Variants that disrupt the consensus splice site are a relatively common cause of aberrant splicing (PMID: 17576681, 9536098). Algorithms developed to predict the effect of sequence changes on RNA splicing suggest that this variant is not likely to affect RNA splicing. In summary, the available evidence is currently insufficient to determine the role of this variant in disease. Therefore, it has been classified as a Variant of Uncertain Significance.

Literature cited by the submitters: PubMed 17576681; PubMed 9536098.